The following is an entry in ClinVar:

ClinVar aggregate classification (germline): Likely pathogenic (1 of 4 stars; one submission).

Submission:

GeneDx
Classification: Likely pathogenic. Last evaluated: 2023-12-28. Review status: criteria provided, single submitter. Criteria: GeneDx Variant Classification Process June 2021. Collection method: clinical testing. Allele origin: germline. Affected: yes.
Comment: Not observed at significant frequency in large population cohorts (gnomAD); In silico analysis supports that this missense variant has a deleterious effect on protein structure/function; Missense variants in this gene are often considered pathogenic (HGMD); This substitution is predicted to be within the C-terminal cytoplasmic domain; This variant is associated with the following publications: (PMID: 29720203)

NM_001165963.4(SCN1A):c.5384A>G (p.Glu1795Gly)

Genes: SCN1A (sodium voltage-gated channel alpha subunit 1; minus strand), LOC102724058 (uncharacterized LOC102724058; plus strand). Cytogenetic location: 2q24.3.
Variant type: single nucleotide variant.
Coding change: c.5384A>G on transcript NM_001165963.4 (MANE Select); coding-DNA position 5384, A replaced by G.
Protein change: p.Glu1795Gly; replaces glutamic acid 1795 with glycine.
Molecular consequence: missense variant. On other transcripts: non-coding transcript variant (1).
Genome position (GRCh38, 1-based): chr2:165,991,891, T>C on the plus strand (A>G on the coding strand, the complement: SCN1A is on the minus strand). VCF-style: chr2-165991891-T-C. GRCh37 (hg19) VCF-style: chr2-166848401-T-C.
Other names: c.5300A>G, p.Glu1767Gly (NM_001165964.3, NM_001353957.2, NM_001353958.2); c.5384A>G, p.Glu1795Gly (NM_001202435.3, NM_001353948.2); c.5351A>G, p.Glu1784Gly (NM_001353949.2, NM_001353950.2, NM_001353951.2 and 2 more transcripts); c.5348A>G, p.Glu1783Gly (NM_001353954.2, NM_001353955.2); c.5297A>G, p.Glu1766Gly (NM_001353960.2); c.2942A>G, p.Glu981Gly (NM_001353961.2); short protein forms E1766G, E1767G, E1783G, E1784G, E1795G, E981G.
Identifiers: ClinVar variation 3340591 (VCV003340591.1).